The following is an entry in ClinVar:

NM_001379500.1(COL18A1):c.107-12461C>T

Gene: COL18A1 (collagen type XVIII alpha 1 chain; plus strand). Cytogenetic location: 21q22.3.
Variant type: single nucleotide variant.
Coding change: c.107-12461C>T on transcript NM_001379500.1 (MANE Select); 12461 bases into the intron before coding-DNA position 107, C replaced by T.
Molecular consequence: intron variant. On other transcripts: missense variant (2).
Genome position (GRCh38, 1-based): chr21:45,455,781, C>T. VCF-style: chr21-45455781-C-T. GRCh37 (hg19) VCF-style: chr21-46875695-C-T.
Other names: c.251C>T, p.Ser84Leu (NM_030582.4, NM_130444.3); short protein forms S84L.
Identifiers: ClinVar variation 2421634 (VCV002421634.5), dbSNP rs759848880, ClinGen allele CA10065421.

ClinVar aggregate classification (germline): Uncertain significance. Review status: criteria provided, multiple submitters, no conflicts (2 of 4 stars). 2 submissions from 2 submitters: Uncertain significance (2). Last evaluated 2023-08-27.

Allele frequency attached by ClinVar (database versions not stated): gnomAD exomes below 0.00001; ExAC 0.00001; gnomAD 0.00001.
gnomAD v4.1: 7 of 1,613,688 alleles (0.00043%); highest among the groups gnomAD compares: Middle Eastern, 0.049%; no homozygotes.

Submissions (2):

Labcorp Genetics (formerly Invitae), Labcorp
Classification: Uncertain significance. Last evaluated: 2023-08-27. Review status: criteria provided, single submitter. Criteria: Invitae Variant Classification Sherloc (09022015). Collection method: clinical testing. Allele origin: germline.
Comment: The COL18A1 gene has multiple clinically relevant transcripts. This variant occurs in alternate transcript NM_030582.4, and corresponds to NM_130445.2:c.107-12461C>T in the primary transcript. This sequence change replaces serine, which is neutral and polar, with leucine, which is neutral and non-polar, at codon 84 of the COL18A1 protein (p.Ser84Leu). This variant is present in population databases (rs759848880, gnomAD 0.01%). This missense change has been observed in individual(s) with clinical features of Knobloch syndrome (Invitae). In at least one individual the data is consistent with being in trans (on the opposite chromosome) from a pathogenic variant. ClinVar contains an entry for this variant (Variation ID: 2421634). Experimental studies and prediction algorithms are not available or were not evaluated, and the functional significance of this variant is currently unknown. Algorithms developed to predict the effect of sequence changes on RNA splicing suggest that this variant is not likely to affect RNA splicing. In summary, the available evidence is currently insufficient to determine the role of this variant in disease. Therefore, it has been classified as a Variant of Uncertain Significance.

Breakthrough Genomics
Classification: Uncertain significance. Review status: criteria provided, single submitter. Criteria: ACMG Guidelines, 2015. Collection method: not provided. Allele origin: germline. Inheritance: Autosomal dominant inheritance. Affected: yes.